The following is an entry in ClinVar:

ClinVar aggregate classification (germline): Benign (1 of 4 stars; one submission).

Allele frequency attached by ClinVar (database versions not stated): gnomAD exomes 0.00003; TOPMed 0.00007; gnomAD 0.00015; 1000 Genomes Project 30x 0.00016; 1000 Genomes Project 0.00020.
gnomAD v4.1: 25 of 233,550 alleles (0.011%); highest among the groups gnomAD compares: South Asian, 0.38%; no homozygotes.

Submission:

CeGaT Center for Human Genetics Tuebingen
Classification: Benign. Last evaluated: 2022-07-01. Review status: criteria provided, single submitter. Criteria: CeGaT Center For Human Genetics Tuebingen Variant Classification Criteria Version 2. Collection method: clinical testing. Allele origin: germline. Affected: yes. Observed: 1 variant allele.
Comment: CCND2: BS1, BS2

NM_001759.4(CCND2):c.*1256C>T

Gene: CCND2 (cyclin D2; plus strand). Cytogenetic location: 12p13.32.
Variant type: single nucleotide variant.
Coding change: c.*1256C>T on transcript NM_001759.4 (MANE Select); 1256 bases downstream of the stop codon, C replaced by T.
Molecular consequence: 3 prime UTR variant.
Genome position (GRCh38, 1-based): chr12:4,301,265, C>T. VCF-style: chr12-4301265-C-T. GRCh37 (hg19) VCF-style: chr12-4410431-C-T.
Identifiers: ClinVar variation 2642586 (VCV002642586.24), dbSNP rs551992768, ClinGen allele CA231748248.